The following is an entry in ClinVar:

NM_001100913.3(PACS2):c.436C>A (p.Pro146Thr)

Gene: PACS2 (phosphofurin acidic cluster sorting protein 2; plus strand). Cytogenetic location: 14q32.33.
Variant type: single nucleotide variant.
Coding change: c.436C>A on transcript NM_001100913.3 (MANE Select); coding-DNA position 436, C replaced by A.
Protein change: p.Pro146Thr; replaces proline 146 with threonine.
Molecular consequence: missense variant.
Genome position (GRCh38, 1-based): chr14:105,367,225, C>A. VCF-style: chr14-105367225-C-A. GRCh37 (hg19) VCF-style: chr14-105833562-C-A.
Other names: c.235C>A, p.Pro79Thr (NM_001243127.3); c.436C>A, p.Pro146Thr (NM_015197.4); short protein forms P146T, P79T.
Identifiers: ClinVar variation 2718844 (VCV002718844.3), dbSNP rs1555408144, ClinGen allele CA391172712.
Genomic context (GRCh38, chr14:105,367,225, plus strand): 5'-GCTCCTTCCCGTCGTGCTGCTTTCTAGAACCGTGCCCCTGGCCTGCAGGTGATGCAACAC[C>A]CGTCTGAAGGTGGCCAGGTGCTGAGCCTCTGCAGCAGCATCAAGGAGGCCCCCGTCAAGG-3'
Protein context (NP_001094383.2, residues 136-156): SISMAEVMQH[Pro146Thr]SEGGQVLSLC

ClinVar aggregate classification (germline): Uncertain significance (1 of 4 stars; one submission).

Submission:

Labcorp Genetics (formerly Invitae), Labcorp
Classification: Uncertain significance. Last evaluated: 2023-12-25. Review status: criteria provided, single submitter. Criteria: Invitae Variant Classification Sherloc (09022015). Collection method: clinical testing. Allele origin: germline.
Comment: This sequence change replaces proline, which is neutral and non-polar, with threonine, which is neutral and polar, at codon 146 of the PACS2 protein (p.Pro146Thr). This variant is not present in population databases (gnomAD no frequency). This variant has not been reported in the literature in individuals affected with PACS2-related conditions. An algorithm developed to predict the effect of missense changes on protein structure and function (PolyPhen-2) suggests that this variant is likely to be disruptive. In summary, the available evidence is currently insufficient to determine the role of this variant in disease. Therefore, it has been classified as a Variant of Uncertain Significance.